The following is an entry in ClinVar:

ClinVar aggregate classification (germline): Uncertain significance (1 of 4 stars; one submission).

Allele frequency attached by ClinVar (database versions not stated): gnomAD 0.00001; TOPMed 0.00006.
gnomAD v4.1: 8 of 1,607,792 alleles (0.0005%); highest among the groups gnomAD compares: Non-Finnish European, 0.00043%; no homozygotes.

Submission:

Labcorp Genetics (formerly Invitae), Labcorp
Classification: Uncertain significance. Last evaluated: 2025-12-21. Review status: criteria provided, single submitter. Criteria: Invitae Variant Classification Sherloc (09022015). Collection method: clinical testing. Allele origin: germline.
Comment: This sequence change affects codon 220 of the KCNK4 mRNA. It is a 'silent' change, meaning that it does not change the encoded amino acid sequence of the KCNK4 protein. It affects a nucleotide within the consensus splice site. This variant is present in population databases (no rsID available, gnomAD no frequency). This variant has not been reported in the literature in individuals affected with KCNK4-related conditions. ClinVar contains an entry for this variant (Variation ID: 1501250). Algorithms developed to predict the effect of sequence changes on RNA splicing suggest that this variant is not likely to affect RNA splicing. In summary, the available evidence is currently insufficient to determine the role of this variant in disease. Therefore, it has been classified as a Variant of Uncertain Significance.

NM_033310.3(KCNK4):c.660C>T (p.Ala220=)

Genes: KCNK4-CATSPERZ (KCNK4-CATSPERZ readthrough (NMD candidate); plus strand), KCNK4 (potassium two pore domain channel subfamily K member 4; plus strand). Cytogenetic location: 11q13.1.
Variant type: single nucleotide variant.
Coding change: c.660C>T on transcript NM_033310.3 (MANE Select); coding-DNA position 660, C replaced by T.
Protein change: p.Ala220=; no amino-acid change (alanine 220 retained).
Molecular consequence: synonymous variant. On other transcripts: non-coding transcript variant (3).
Genome position (GRCh38, 1-based): chr11:64,297,652, C>T. VCF-style: chr11-64297652-C-T. GRCh37 (hg19) VCF-style: chr11-64065124-C-T.
Other names: c.660C>T, p.Ala220= (NM_001317090.2).
Identifiers: ClinVar variation 1501250 (VCV001501250.8), dbSNP rs1293225926, ClinGen allele CA381166935.
Genomic context (GRCh38, chr11:64,297,652, plus strand): 5'-GGAGGCCATCTACTTTGTCATAGTGACGCTTACCACCGTGGGCTTTGGCGACTATGTGGC[C>T]GGTGAGGCCGCCCTTCTTGTGCTGCACTTTCCCATCTACTTTATTCCTGATCAGGGGCTC-3'
Protein context (NP_201567.1, residues 210-230): LTTVGFGDYV[Ala220=]GADPRQDSPA